The following is an entry in ClinVar:

ClinVar aggregate classification (germline): Uncertain significance. Review status: criteria provided, multiple submitters, no conflicts (2 of 4 stars). 2 submissions from 2 submitters: Uncertain significance (2). Last evaluated 2026-01-30.

Conditions:
Cardiovascular phenotype. Identifiers: MedGen CN230736.

Submissions (2):

Ambry Genetics
Classification: Uncertain significance for Cardiovascular phenotype. Last evaluated: 2026-01-30. Review status: criteria provided, single submitter. Criteria: Ambry Variant Classification Scheme 2023. Collection method: clinical testing. Allele origin: germline.
Comment: The c.4175+5_4175+6delGCinsAA intronic variant, located in intron 27 of the MYH6 gene, results from the deletion of two nucleotides (GC) and the insertion of two nucleotides (AA) at nucleotide position 4175+5 and 4175+6. These nucleotide positions range from highly conserved to well conserved in available vertebrate species. In silico splice site analysis predicts that this alteration will weaken the native splice donor site. Based on the available evidence, the clinical significance of this variant remains unclear.

GeneDx
Classification: Uncertain significance. Last evaluated: 2023-12-12. Review status: criteria provided, single submitter. Criteria: GeneDx Variant Classification Process June 2021. Collection method: clinical testing. Allele origin: germline. Affected: yes.
Comment: In silico analysis supports a deleterious effect on splicing; Not observed at significant frequency in large population cohorts (gnomAD); Has not been previously published as pathogenic or benign to our knowledge

NM_002471.4(MYH6):c.4175+5_4175+6delinsAA

Gene: MYH6 (myosin heavy chain 6; minus strand). Cytogenetic location: 14q11.2.
Variant type: Indel.
Coding change: c.4175+5_4175+6delinsAA on transcript NM_002471.4 (MANE Select); bases 5 to 6 of the intron after coding-DNA position 4175, GC replaced by AA.
Molecular consequence: intron variant.
Genome position (GRCh38, 1-based): chr14:23,388,853-23,388,854, GC replaced by TT on the plus strand (GC replaced by AA on the coding strand, the reverse complement: MYH6 is on the minus strand). VCF-style: chr14-23388853-GC-TT. GRCh37 (hg19) VCF-style: chr14-23858062-GC-TT.
Other names: c.4175+5_4175+6delGCinsAA (NM_002471.3).
Identifiers: ClinVar variation 3365635 (VCV003365635.2).